The following is an entry in ClinVar:

ClinVar aggregate classification (germline): Likely pathogenic (1 of 4 stars; one submission).

Conditions:
Heart defects, congenital, and other congenital anomalies. Also called: PANCREATIC HYPOPLASIA, CONGENITAL, WITH DIABETES MELLITUS AND CONGENITAL HEART DISEASE; Pancreatic hypoplasia-diabetes-congenital heart disease syndrome. Identifiers: Orphanet 2255, MedGen C2931296, MONDO:0010802, OMIM 600001.

Submission:

Juno Genomics, Hangzhou Juno Genomics, Inc
Classification: Likely pathogenic for Heart defects, congenital, and other congenital anomalies. Review status: criteria provided, single submitter. Criteria: ACMG Guidelines, 2015. Collection method: clinical testing. Allele origin: germline. Affected: yes.
Comment: Absent from controls (or at extremely low frequency if recessive) in Genome Aggregation Database.;Null variant in a gene where loss of function (LOF) is a known mechanism of disease.

NM_005257.6(GATA6):c.1135+1G>C

Gene: GATA6 (GATA binding protein 6; plus strand). Cytogenetic location: 18q11.2.
Variant type: single nucleotide variant.
Coding change: c.1135+1G>C on transcript NM_005257.6 (MANE Select); the canonical splice donor site of the intron after coding-DNA position 1135, G replaced by C.
Molecular consequence: splice donor variant.
Genome position (GRCh38, 1-based): chr18:22,172,280, G>C. VCF-style: chr18-22172280-G-C. GRCh37 (hg19) VCF-style: chr18-19752241-G-C.
Identifiers: ClinVar variation 5018952 (VCV005018952.1).
Genomic context (GRCh38, chr18:22,172,280, plus strand): 5'-TGCACAGCCTGCAGAGCCGCGCCGGAGCCCCGCTCCCGGTGCCCCGGGGTCCCAGTGCAG[G>C]TAAGGGTCGCGCCTCAGGTTCGGGGTGCGGGTCCAAAGCGCTGGGGCGCACGGGGGACGT-3'